The following is an entry in ClinVar:

NM_016938.5(EFEMP2):c.989C>G (p.Pro330Arg)

Gene: EFEMP2 (EGF containing fibulin extracellular matrix protein 2; minus strand). Cytogenetic location: 11q13.1.
Variant type: single nucleotide variant.
Coding change: c.989C>G on transcript NM_016938.5 (MANE Select); coding-DNA position 989, C replaced by G.
Protein change: p.Pro330Arg; replaces proline 330 with arginine.
Molecular consequence: missense variant. On other transcripts: non-coding transcript variant (1).
Genome position (GRCh38, 1-based): chr11:65,868,042, G>C on the plus strand (C>G on the coding strand, the complement: EFEMP2 is on the minus strand). VCF-style: chr11-65868042-G-C. GRCh37 (hg19) VCF-style: chr11-65635513-G-C.
Other names: short protein forms P330R.
Identifiers: ClinVar variation 1310362 (VCV001310362.2), dbSNP rs781029572, ClinGen allele CA381352420.

ClinVar aggregate classification (germline): Uncertain significance (1 of 4 stars; one submission).

Submission:

GeneDx
Classification: Uncertain significance. Last evaluated: 2019-11-15. Review status: criteria provided, single submitter. Criteria: GeneDx Variant Classification Process June 2021. Collection method: clinical testing. Allele origin: germline. Affected: yes.
Comment: Not observed in large population cohorts (Lek et al., 2016); In silico analysis, which includes protein predictors and evolutionary conservation, supports a deleterious effect; Has not been previously published as pathogenic or benign to our knowledge